The following is an entry in ClinVar:

NC_000021.8:g.(?_38437882)_(38441944_?)del

Gene: PIGP (phosphatidylinositol glycan anchor biosynthesis class P; minus strand). Cytogenetic location: 21q22.13.
Variant type: Deletion.
Identifiers: ClinVar variation 2427438 (VCV002427438.4).

ClinVar aggregate classification (germline): Uncertain significance (1 of 4 stars; one submission).

Submission:

Labcorp Genetics (formerly Invitae), Labcorp
Classification: Uncertain significance. Last evaluated: 2022-01-15. Review status: criteria provided, single submitter. Criteria: Invitae Variant Classification Sherloc (09022015). Collection method: clinical testing. Allele origin: germline.
Comment: In summary, the available evidence is currently insufficient to determine the role of this variant in disease. Therefore, it has been classified as a Variant of Uncertain Significance. Experimental studies and prediction algorithms are not available or were not evaluated, and the functional significance of this variant is currently unknown. This variant has not been reported in the literature in individuals affected with PIGP-related conditions. This variant is a gross deletion of the genomic region encompassing exon(s) 2-4 of the PIGP gene, which includes the termination codon. This deletion extends beyond the assayed region for this gene and therefore may encompass additional genes. While this deletion is not anticipated to lead to nonsense mediated decay, it is expected to alter mRNA translation or result in a truncated protein product.